The following is an entry in ClinVar:

ClinVar aggregate classification (germline): Pathogenic/Likely pathogenic. Review status: criteria provided, multiple submitters, no conflicts (2 of 4 stars). 4 submissions from 4 submitters: Pathogenic (3); Likely pathogenic (1). Last evaluated 2026-01-28.

Conditions:
COL12A1-related disorder. Also called: COL12A1-related condition.
Ullrich congenital muscular dystrophy 2 (UCMD2). Identifiers: Orphanet 75840, MedGen C4225314, MONDO:0014654, OMIM 616470.
Bethlem myopathy 2 (BTHLM2). Identifiers: Orphanet 536516, Orphanet 610, MedGen C4225313, MONDO:0034022, OMIM 616471.

gnomAD v4.1: 1 of 1,613,344 alleles (0.000062%); highest among the groups gnomAD compares: Non-Finnish European, 0.000085%; no homozygotes.

Submissions (4):

PreventionGenetics, part of Exact Sciences
Classification: Likely pathogenic for COL12A1-related condition. Last evaluated: 2026-01-28. Review status: criteria provided, single submitter. Criteria: ACMG Guidelines, 2015. Collection method: clinical testing. Allele origin: germline.
Comment: The COL12A1 c.4186C>T variant is predicted to result in premature protein termination (p.Arg1396*). To our knowledge, this variant has not been reported in the literature or in a large population database (gnomAD), indicating this variant is rare. Nonsense variants in COL12A1 are expected to be pathogenic for autosomal recessive disease. This variant is interpreted as likely pathogenic for autosomal recessive COL12A1-related disorders and uncertain for autosomal dominant COL12A1-related disorders.

3billion
Classification: Pathogenic for Bethlem myopathy 2. Last evaluated: 2025-11-04. Review status: criteria provided, single submitter. Criteria: ACMG Guidelines, 2015. Collection method: clinical testing. Allele origin: germline. Affected: yes.
Comment: The variant is observed at an extremely low frequency in the gnomAD v4.1.0 dataset (total allele frequency: <0.001%). Predicted Consequence/Location: Stop-gained (nonsense): predicted to result in a loss or disruption of normal protein function through nonsense-mediated decay (NMD) or protein truncation. Multiple pathogenic variants are reported downstream of the variant. The variant has been reported at least twice as pathogenic without evidence for the classification (ClinVar ID: VCV002637720). Therefore, this variant is classified as Pathogenic according to the recommendation of ACMG/AMP guideline.

Labcorp Genetics (formerly Invitae), Labcorp
Classification: Pathogenic for Bethlem myopathy 2; Ullrich congenital muscular dystrophy 2. Last evaluated: 2024-10-25. Review status: criteria provided, single submitter. Criteria: Invitae Variant Classification Sherloc (09022015). Collection method: clinical testing. Allele origin: germline.
Comment: This sequence change creates a premature translational stop signal (p.Arg1396*) in the COL12A1 gene. It is expected to result in an absent or disrupted protein product. Loss-of-function variants in COL12A1 are known to be pathogenic (PMID: 24334604, 28973083). This variant is present in population databases (rs115511838, gnomAD 0.0009%). This variant has not been reported in the literature in individuals affected with COL12A1-related conditions. ClinVar contains an entry for this variant (Variation ID: 2637720). Algorithms developed to predict the effect of sequence changes on RNA splicing suggest that this variant may disrupt the consensus splice site. For these reasons, this variant has been classified as Pathogenic.

Women's Health and Genetics/Laboratory Corporation of America, LabCorp
Classification: Pathogenic for Bethlem myopathy 2. Last evaluated: 2023-10-13. Review status: criteria provided, single submitter. Criteria: LabCorp Variant Classification Summary - May 2015. Collection method: clinical testing. Allele origin: germline.
Comment: Variant summary: COL12A1 c.4186C>T (p.Arg1396X) results in a premature termination codon, predicted to cause a truncation of the encoded protein or absence of the protein due to nonsense mediated decay, which are commonly known mechanisms for disease. The variant was absent in 248704 control chromosomes. To our knowledge, no occurrence of c.4186C>T in individuals affected with Bethlem Myopathy 2 and no experimental evidence demonstrating its impact on protein function have been reported. No submitters have cited clinical-significance assessments for this variant to ClinVar after 2014. Based on the evidence outlined above, the variant was classified as pathogenic.

Literature cited by the submitters: PubMed 24334604 (cited by Labcorp Genetics (formerly Invitae), Labcorp); PubMed 28973083 (cited by Labcorp Genetics (formerly Invitae), Labcorp).

NM_004370.6(COL12A1):c.4186C>T (p.Arg1396Ter)

Gene: COL12A1 (collagen type XII alpha 1 chain; minus strand). Cytogenetic location: 6q13.
Variant type: single nucleotide variant.
Coding change: c.4186C>T on transcript NM_004370.6 (MANE Select); coding-DNA position 4186, C replaced by T.
Protein change: p.Arg1396Ter; replaces arginine 1396 with a stop codon.
Molecular consequence: nonsense.
Genome position (GRCh38, 1-based): chr6:75,148,459, G>A on the plus strand (C>T on the coding strand, the complement: COL12A1 is on the minus strand). VCF-style: chr6-75148459-G-A. GRCh37 (hg19) VCF-style: chr6-75858175-G-A.
Other names: c.3913C>T, p.Arg1305Ter (NM_001424115.1); c.694C>T, p.Arg232Ter (NM_001424116.1, NM_080645.3); c.4186C>T (NM_004370.5); c.4186C>T, p.Arg1396Ter (NM_001424113.1, NM_001424114.1); short protein forms R1305*, R1396*, R232*.
Identifiers: ClinVar variation 2637720 (VCV002637720.6), dbSNP rs115511838, ClinGen allele CA3893518.
Genomic context (GRCh38, chr6:75,148,459, plus strand): 5'-TATATCGATCCACACTGTCAGAAGGTGGTGTCCAGCTCACTCTAAAAGAACGATGGGTTC[G>A]CTCAGAAATAACTAAGTTAGAAGGTGCTTCCAAATCACCTACACATGGAAATAAAGGGTA-3'